The following is an entry in ClinVar:

ClinVar aggregate classification (germline): Likely benign. Review status: criteria provided, multiple submitters, no conflicts (2 of 4 stars). 2 submissions from 2 submitters: Likely benign (2). Last evaluated 2026-08-17.

Conditions:
DICER1-related tumor predisposition. Also called: DICER1 syndrome; DICER1-related pleuropulmonary blastoma cancer predisposition syndrome. Identifiers: Orphanet 284343, MedGen C3839822, MONDO:0100216.

Submissions (2):

Myriad Genetics, Inc.
Classification: Likely benign for DICER1-related tumor predisposition. Last evaluated: 2026-08-17. Review status: criteria provided, single submitter. Criteria: Myriad Autosomal Dominant, Autosomal Recessive and X-Linked Classification Criteria (2023). Collection method: clinical testing. Allele origin: unknown.
Comment: This variant is considered likely benign. This variant is intronic and is not expected to impact mRNA splicing.

Labcorp Genetics (formerly Invitae), Labcorp
Classification: Likely benign for DICER1-related tumor predisposition. Last evaluated: 2018-08-08. Review status: criteria provided, single submitter. Criteria: Invitae Variant Classification Sherloc (09022015). Collection method: clinical testing. Allele origin: germline.

NM_177438.3(DICER1):c.5365-8T>C

Gene: DICER1 (dicer 1, ribonuclease III; minus strand). Cytogenetic location: 14q32.13.
Variant type: single nucleotide variant.
Coding change: c.5365-8T>C on transcript NM_177438.3 (MANE Select); 8 bases into the intron before coding-DNA position 5365, T replaced by C.
Molecular consequence: intron variant.
Genome position (GRCh38, 1-based): chr14:95,091,373, A>G on the plus strand (T>C on the coding strand, the complement: DICER1 is on the minus strand). VCF-style: chr14-95091373-A-G. GRCh37 (hg19) VCF-style: chr14-95557710-A-G.
Other names: c.5365-8T>C (NM_001291628.2, NM_030621.4, NM_001271282.3); c.5365-264T>C (NM_001195573.1).
Identifiers: ClinVar variation 765106 (VCV000765106.11), dbSNP rs1595315413, ClinGen allele CA915946399.
Genomic context (GRCh38, chr14:95,091,373, plus strand): 5'-TTTGGAACTTCAATATCCTCTTCTTTCTCTTCATCCTCCTCAGATCTCCTAAGCTATTAC[A>G]GAGGGAAAAGTGACTTGTAAGCAAAAAGGCCACTTTTACAGGCAGTCCACAGATGTAGTT-3'